The following is an entry in ClinVar:

ClinVar aggregate classification (germline): Uncertain significance (1 of 4 stars; one submission).

gnomAD v4.1: 1 of 1,614,046 alleles (0.000062%); highest among the groups gnomAD compares: African/African-American, 0.0013%; no homozygotes.

Submission:

GeneDx
Classification: Uncertain significance. Last evaluated: 2025-05-21. Review status: criteria provided, single submitter. Criteria: GeneDx Variant Classification Process June 2021. Collection method: clinical testing. Allele origin: germline. Affected: yes.
Comment: Not observed at significant frequency in large population cohorts (gnomAD); In silico analysis suggests that this missense variant does not alter protein structure/function; Has not been previously published as pathogenic or benign to our knowledge; Does not affect a cysteine or calcium-binding residue within an EGF-like domain or a TGF-binding protein domain of the FBN1 gene; cysteine substitutions in the EGF-like domains represent the majority of pathogenic missense changes associated with FBN1-related disorders (PMID: 12938084); This variant is associated with the following publications: (PMID: 12938084)

NM_000138.5(FBN1):c.5212A>T (p.Ile1738Phe)

Gene: FBN1 (fibrillin 1; minus strand). Cytogenetic location: 15q21.1.
Variant type: single nucleotide variant.
Coding change: c.5212A>T on transcript NM_000138.5 (MANE Select); coding-DNA position 5212, A replaced by T.
Protein change: p.Ile1738Phe; replaces isoleucine 1738 with phenylalanine.
Molecular consequence: missense variant.
Genome position (GRCh38, 1-based): chr15:48,463,094, T>A on the plus strand (A>T on the coding strand, the complement: FBN1 is on the minus strand). VCF-style: chr15-48463094-T-A. GRCh37 (hg19) VCF-style: chr15-48755291-T-A.
Other names: c.5212A>T, p.Ile1738Phe (NM_001406716.1); short protein forms I1738F.
Identifiers: ClinVar variation 4531092 (VCV004531092.1).
Genomic context (GRCh38, chr15:48,463,094, plus strand): 5'-GGTAATTTTTCAACCTATATTTTTGATAATGGAGAAACTAAAACTCACCTGTACTTGGGA[T>A]GGGACACTGTTCACAGGGCTTGTTCCACGCCCGGCCAATGTTGTAGGAACAGCAGCACAT-3'
Protein context (NP_000129.3, residues 1728-1748): AWNKPCEQCP[Ile1738Phe]PSTDEFATLC